The following is an entry in ClinVar:

ClinVar aggregate classification (germline): Likely benign (1 of 4 stars; one submission).

Submission:

CeGaT Center for Human Genetics Tuebingen
Classification: Likely benign. Last evaluated: 2026-07-01. Review status: criteria provided, single submitter. Criteria: CeGaT Center For Human Genetics Tuebingen Variant Classification Criteria Version 2. Collection method: clinical testing. Allele origin: germline. Affected: yes. Observed: 1 variant allele.
Comment: MTSS2: BP4, BP7

NM_138383.3(MTSS2):c.1260A>G (p.Glu420=)

Gene: MTSS2 (MTSS I-BAR domain containing 2; minus strand). Cytogenetic location: 16q22.1.
Variant type: single nucleotide variant.
Coding change: c.1260A>G on transcript NM_138383.3 (MANE Select); coding-DNA position 1260, A replaced by G.
Protein change: p.Glu420=; no amino-acid change (glutamic acid 420 retained).
Molecular consequence: synonymous variant.
Genome position (GRCh38, 1-based): chr16:70,664,965, T>C on the plus strand (A>G on the coding strand, the complement: MTSS2 is on the minus strand). VCF-style: chr16-70664965-T-C. GRCh37 (hg19) VCF-style: chr16-70698868-T-C.
Identifiers: ClinVar variation 5039151 (VCV005039151.1).